The following is an entry in ClinVar:

ClinVar aggregate classification (germline): Uncertain significance (1 of 4 stars; one submission).

Allele frequency attached by ClinVar (database versions not stated): ExAC 0.00001; gnomAD 0.00001; gnomAD exomes 0.00001; TOPMed 0.00002.
gnomAD v4.1: 12 of 1,614,088 alleles (0.00074%); highest among the groups gnomAD compares: African/African-American, 0.0013%; no homozygotes.

Submission:

Labcorp Genetics (formerly Invitae), Labcorp
Classification: Uncertain significance. Last evaluated: 2022-09-07. Review status: criteria provided, single submitter. Criteria: Invitae Variant Classification Sherloc (09022015). Collection method: clinical testing. Allele origin: germline.
Comment: This sequence change replaces asparagine, which is neutral and polar, with serine, which is neutral and polar, at codon 1280 of the LCT protein (p.Asn1280Ser). This variant is present in population databases (rs761364933, gnomAD 0.0009%). This variant has not been reported in the literature in individuals affected with LCT-related conditions. Algorithms developed to predict the effect of missense changes on protein structure and function output the following: SIFT: "Not Available"; PolyPhen-2: "Benign"; Align-GVGD: "Not Available". The serine amino acid residue is found in multiple mammalian species, which suggests that this missense change does not adversely affect protein function. In summary, the available evidence is currently insufficient to determine the role of this variant in disease. Therefore, it has been classified as a Variant of Uncertain Significance.

NM_002299.4(LCT):c.3839A>G (p.Asn1280Ser)

Gene: LCT (lactase; minus strand). Cytogenetic location: 2q21.3.
Variant type: single nucleotide variant.
Coding change: c.3839A>G on transcript NM_002299.4 (MANE Select); coding-DNA position 3839, A replaced by G.
Protein change: p.Asn1280Ser; replaces asparagine 1280 with serine.
Molecular consequence: missense variant.
Genome position (GRCh38, 1-based): chr2:135,808,508, T>C on the plus strand (A>G on the coding strand, the complement: LCT is on the minus strand). VCF-style: chr2-135808508-T-C. GRCh37 (hg19) VCF-style: chr2-136566078-T-C.
Other names: short protein forms N1280S.
Identifiers: ClinVar variation 1981967 (VCV001981967.1), dbSNP rs761364933, ClinGen allele CA1887976.
Genomic context (GRCh38, chr2:135,808,508, plus strand): 5'-AAAGCCTCATTGATGTAGGTTTTGTGGTAAAATATCCTATCAGTATCCTCCGTGTTCGGA[T>C]TGGTCAGCCCCACTCCGTTTTCGGTGATGTAAATGGGGATGTCACCATACTCTTCCTTGA-3'
Protein context (NP_002290.2, residues 1270-1290): YITENGVGLT[Asn1280Ser]PNTEDTDRIF